The following is an entry in ClinVar:

NM_001367823.1(ARHGEF18):c.2739C>T (p.Phe913=)

Gene: ARHGEF18 (Rho/Rac guanine nucleotide exchange factor 18; plus strand). Cytogenetic location: 19p13.2.
Variant type: single nucleotide variant.
Coding change: c.2739C>T on transcript NM_001367823.1 (MANE Select); coding-DNA position 2739, C replaced by T.
Protein change: p.Phe913=; no amino-acid change (phenylalanine 913 retained).
Molecular consequence: synonymous variant.
Genome position (GRCh38, 1-based): chr19:7,463,921, C>T. VCF-style: chr19-7463921-C-T. GRCh37 (hg19) VCF-style: chr19-7528807-C-T.
Other names: c.2175C>T (NM_001130955.1); c.2013C>T, p.Phe671= (NM_001130955.2); c.1701C>T, p.Phe567= (NM_001367824.1, NM_015318.4).
Identifiers: ClinVar variation 1100598 (VCV001100598.11), dbSNP rs556548682, ClinGen allele CA9136960.

ClinVar aggregate classification (germline): Likely benign. Review status: criteria provided, multiple submitters, no conflicts (2 of 4 stars). 3 submissions from 3 submitters: Likely benign (3). Last evaluated 2026-03-13.

Conditions:
ARHGEF18-related disorder. Also called: ARHGEF18-related condition.

Allele frequency attached by ClinVar (database versions not stated): gnomAD 0.00001 and 0.00003; TOPMed 0.00002; gnomAD exomes 0.00007 and 0.00014; ExAC 0.00034; 1000 Genomes Project 30x 0.00078; 1000 Genomes Project 0.00080.
gnomAD v4.1: 104 of 1,595,146 alleles (0.0065%); highest among the groups gnomAD compares: South Asian, 0.11%; 1 homozygote.

Submissions (3):

PreventionGenetics, part of Exact Sciences
Classification: Likely benign for ARHGEF18-related condition. Last evaluated: 2026-03-13. Review status: criteria provided, single submitter. Criteria: ACMG Guidelines, 2015. Collection method: clinical testing. Allele origin: germline.
Comment: This variant is classified as likely benign based on ACMG/AMP sequence variant interpretation guidelines (Richards et al. 2015 PMID: 25741868, with internal and published modifications).

Labcorp Genetics (formerly Invitae), Labcorp
Classification: Likely benign. Last evaluated: 2026-01-06. Review status: criteria provided, single submitter. Criteria: Invitae Variant Classification Sherloc (09022015). Collection method: clinical testing. Allele origin: germline.

Blueprint Genetics
Classification: Likely benign. Last evaluated: 2024-03-28. Review status: criteria provided, single submitter. Criteria: ACMG Guidelines, 2015. Collection method: clinical testing. Allele origin: germline.